The following is an entry in ClinVar:

NM_001042545.2(LTBP4):c.36A>G (p.Leu12=)

Genes: LTBP4 (latent transforming growth factor beta binding protein 4; plus strand), LOC130064472 (ATAC-STARR-seq lymphoblastoid silent region 10636; plus strand). Cytogenetic location: 19q13.2.
Variant type: single nucleotide variant.
Coding change: c.36A>G on transcript NM_001042545.2 (MANE Select); coding-DNA position 36, A replaced by G.
Protein change: p.Leu12=; no amino-acid change (leucine 12 retained).
Molecular consequence: synonymous variant. On other transcripts: intron variant (2).
Genome position (GRCh38, 1-based): chr19:40,601,423, A>G. VCF-style: chr19-40601423-A-G. GRCh37 (hg19) VCF-style: chr19-41107329-A-G.
Other names: c.340+1246A>G (NM_003573.2); c.451+1246A>G (NM_001042544.1).
Identifiers: ClinVar variation 3025078 (VCV003025078.22), dbSNP rs1294107429, ClinGen allele CA633467235.

ClinVar aggregate classification (germline): Likely benign (1 of 4 stars; one submission).

Allele frequency attached by ClinVar (database versions not stated): TOPMed 0.00001.
gnomAD v4.1: 5 of 1,439,944 alleles (0.00035%); highest among the groups gnomAD compares: East Asian, 0.003%; no homozygotes.

Submission:

CeGaT Center for Human Genetics Tuebingen
Classification: Likely benign. Last evaluated: 2026-04-01. Review status: criteria provided, single submitter. Criteria: CeGaT Center For Human Genetics Tuebingen Variant Classification Criteria Version 2. Collection method: clinical testing. Allele origin: germline. Affected: yes. Observed: 2 variant alleles.
Comment: LTBP4: BP4, BP7